The following is an entry in ClinVar:

ClinVar aggregate classification (germline): Pathogenic (1 of 4 stars; one submission).

Submission:

CeGaT Center for Human Genetics Tuebingen
Classification: Pathogenic. Last evaluated: 2023-06-01. Review status: criteria provided, single submitter. Criteria: CeGaT Center For Human Genetics Tuebingen Variant Classification Criteria Version 2. Collection method: clinical testing. Allele origin: germline. Affected: yes. Observed: 1 variant allele.
Comment: PTCH1: PVS1, PM2

NM_000264.5(PTCH1):c.1028_1029dup (p.Gly344fs)

Gene: PTCH1 (patched 1; minus strand). Cytogenetic location: 9q22.32.
Variant type: Microsatellite.
Coding change: c.1028_1029dup on transcript NM_000264.5 (MANE Select); coding-DNA positions 1028 to 1029, 2 bases duplicated (TG; older notation c.1028_1029dupTG).
Protein change: p.Gly344fs; shifts the reading frame from glycine 344.
Molecular consequence: frameshift variant. On other transcripts: non-coding transcript variant (1).
Genome position (GRCh38, 1-based): chr9:95,480,007-95,480,008, CA duplicated on the plus strand (TG on the coding strand, the reverse complement: PTCH1 is on the minus strand); duplicating any 2 consecutive bases within chr9:95,480,007-95,480,010 gives the same sequence; the c. name uses the placement nearest the transcript's 3' end. VCF-style (leftmost placement, unchanged base first): chr9-95480006-C-CCA. GRCh37 (hg19) VCF-style: chr9-98242288-C-CCA.
Other names: c.830_831dup, p.Gly278fs (NM_001083602.3); c.1025_1026dup, p.Gly343fs (NM_001083603.3); c.575_576dup, p.Gly193fs (NM_001083604.3, NM_001083605.3, NM_001083606.3 and 1 more transcripts); c.1028_1029dup, p.Gly344fs (NM_001354918.2); short protein forms G193fs, G278fs, G343fs, G344fs.
Identifiers: ClinVar variation 2571335 (VCV002571335.27), dbSNP rs2538224992, ClinGen allele CA2580616241.